The following is an entry in ClinVar:

ClinVar aggregate classification (germline): Likely benign (1 of 4 stars; one submission).

Submission:

CeGaT Center for Human Genetics Tuebingen
Classification: Likely benign. Last evaluated: 2023-11-01. Review status: criteria provided, single submitter. Criteria: CeGaT Center For Human Genetics Tuebingen Variant Classification Criteria Version 2. Collection method: clinical testing. Allele origin: germline. Affected: yes. Observed: 3 variant alleles.
Comment: FOCAD: BP4, BS2

NM_001375567.1(FOCAD):c.4729-5_4729-4insTTTTTTTTTTTTTTTTTTTTTTTTTTTTTTTT

Gene: FOCAD (focadhesin; plus strand). Cytogenetic location: 9p21.3.
Variant type: Insertion.
Coding change: c.4729-5_4729-4insTTTTTTTTTTTTTTTTTTTTTTTTTTTTTTTT on transcript NM_001375567.1 (MANE Select); 5 bases into the intron before coding-DNA position 4729 through 4 bases into the intron before coding-DNA position 4729, TTTTTTTTTTTTTTTTTTTTTTTTTTTTTTTT inserted.
Molecular consequence: intron variant.
Genome position: GRCh38: chr9:20,986,283-20,986,284. GRCh37 (hg19): chr9:20,986,282-20,986,283.
Other names: c.4729-5_4729-4insTTTTTTTTTTTTTTTTTTTTTTTTTTTTTTTT (NM_017794.5); c.4624-5_4624-4insTTTTTTTTTTTTTTTTTTTTTTTTTTTTTTTT (NM_001375568.1, NM_001375570.1).
Identifiers: ClinVar variation 2659119 (VCV002659119.24), dbSNP rs545976303, ClinGen allele CA1122104579.